The following is an entry in ClinVar:

ClinVar aggregate classification (germline): Pathogenic/Likely pathogenic. Review status: criteria provided, multiple submitters, no conflicts (2 of 4 stars). 2 submissions from 2 submitters: Pathogenic (1); Likely pathogenic (1). Last evaluated 2024-09-21.

Conditions:
EXT1-related disorders.
Multiple congenital exostosis (EXT). Also called: Hereditary multiple osteochondromas; Multiple osteochondromas; Multiple exostoses; Hereditary multiple exostoses; Hereditary multiple exostosis; MULTIPLE CARTILAGINOUS EXOSTOSES. Identifiers: Orphanet 321, MedGen C0015306, MONDO:0005508, HP:0002762.

Submissions (2):

Blueprint Genetics
Classification: Likely pathogenic for EXT1-related disorders. Last evaluated: 2024-09-21. Review status: criteria provided, single submitter. Criteria: ACMG Guidelines, 2015. Collection method: clinical testing. Allele origin: germline. Affected: yes. Observed: 1 variant allele.

Labcorp Genetics (formerly Invitae), Labcorp
Classification: Pathogenic for Multiple congenital exostosis. Last evaluated: 2020-07-31. Review status: criteria provided, single submitter. Criteria: Invitae Variant Classification Sherloc (09022015). Collection method: clinical testing. Allele origin: germline.
Comment: For these reasons, this variant has been classified as Pathogenic. Loss-of-function variants in EXT1 are known to be pathogenic (PMID: 10679937, 11391482, 19810120). This variant has been observed in an individual affected with multiple osteochondromatosis (PMID: 19810120). This variant is not present in population databases (ExAC no frequency). This sequence change creates a premature translational stop signal (p.Gln431*) in the EXT1 gene. It is expected to result in an absent or disrupted protein product.

Literature cited by the submitters: PubMed 10679937 (cited by Labcorp Genetics (formerly Invitae), Labcorp); PubMed 11391482 (cited by Labcorp Genetics (formerly Invitae), Labcorp); PubMed 19810120 (cited by Labcorp Genetics (formerly Invitae), Labcorp).

NM_000127.3(EXT1):c.1291C>T (p.Gln431Ter)

Gene: EXT1 (exostosin glycosyltransferase 1; minus strand). Cytogenetic location: 8q24.11.
Variant type: single nucleotide variant.
Coding change: c.1291C>T on transcript NM_000127.3 (MANE Select); coding-DNA position 1291, C replaced by T.
Protein change: p.Gln431Ter; replaces glutamine 431 with a stop codon.
Molecular consequence: nonsense.
Genome position (GRCh38, 1-based): chr8:117,822,591, G>A on the plus strand (C>T on the coding strand, the complement: EXT1 is on the minus strand). VCF-style: chr8-117822591-G-A. GRCh37 (hg19) VCF-style: chr8-118834830-G-A.
Other names: short protein forms Q431*.
Identifiers: ClinVar variation 962119 (VCV000962119.10), dbSNP rs1811943921, ClinGen allele CA371888178.
Genomic context (GRCh38, chr8:117,822,591, plus strand): 5'-CTCCAGGATGTTTGTTCCATATTAAACTGTTACGTGATATGTGCTTGAATATTCTGTCCT[G>A]AATAATCTAGAAAATAAAACATAGCACACAGTGAGGATGAGATCCTGATGATATTTGGAA-3'